The following is an entry in ClinVar:

NM_015294.6(TRIM37):c.2249T>C (p.Ile750Thr)

Gene: TRIM37 (tripartite motif containing 37; minus strand). Cytogenetic location: 17q22.
Variant type: single nucleotide variant.
Coding change: c.2249T>C on transcript NM_015294.6 (MANE Select); coding-DNA position 2249, T replaced by C.
Protein change: p.Ile750Thr; replaces isoleucine 750 with threonine.
Molecular consequence: missense variant. On other transcripts: non-coding transcript variant (2).
Genome position (GRCh38, 1-based): chr17:59,028,423, A>G on the plus strand (T>C on the coding strand, the complement: TRIM37 is on the minus strand). VCF-style: chr17-59028423-A-G. GRCh37 (hg19) VCF-style: chr17-57105784-A-G.
Other names: c.2249T>C, p.Ile750Thr (NM_001005207.5, NM_001320988.3, NM_001320989.3 and 1 more transcripts); c.2147T>C, p.Ile716Thr (NM_001320987.3, NM_001353082.2); c.1883T>C, p.Ile628Thr (NM_001320990.3); c.1514T>C, p.Ile505Thr (NM_001353083.2); c.1787T>C, p.Ile596Thr (NM_001353085.2); c.2198T>C, p.Ile733Thr (NM_001353086.2); short protein forms I750T, I628T, I733T, I505T, I596T, I716T.
Identifiers: ClinVar variation 2069771 (VCV002069771.2), dbSNP rs530814108, ClinGen allele CA8678115.
Genomic context (GRCh38, chr17:59,028,423, plus strand): 5'-CTAGTTTCCCAAATAACGTGTGGAGAAATGACACTGGGAACATATTACTTACAGTTTCGT[A>G]TGTAACAATTGGCAACTGATGACTTTGCCAGGAGTTCCATTCCCAAATCCTGCAATCTGC-3'
Protein context (NP_056109.1, residues 740-760): LAKSSVANCY[Ile750Thr]RNSTNKKSNS

ClinVar aggregate classification (germline): Uncertain significance (1 of 4 stars; one submission).

Allele frequency attached by ClinVar (database versions not stated): TOPMed 0.00002; gnomAD 0.00004; gnomAD exomes 0.00004; ExAC 0.00014; 1000 Genomes Project 30x 0.00047; 1000 Genomes Project 0.00060.
gnomAD v4.1: 68 of 1,612,358 alleles (0.0042%); highest among the groups gnomAD compares: South Asian, 0.07%; no homozygotes.

Submission:

Labcorp Genetics (formerly Invitae), Labcorp
Classification: Uncertain significance. Last evaluated: 2025-08-11. Review status: criteria provided, single submitter. Criteria: Invitae Variant Classification Sherloc (09022015). Collection method: clinical testing. Allele origin: germline.
Comment: This sequence change replaces isoleucine, which is neutral and non-polar, with threonine, which is neutral and polar, at codon 750 of the TRIM37 protein (p.Ile750Thr). This variant is present in population databases (rs530814108, gnomAD 0.08%). This variant has not been reported in the literature in individuals affected with TRIM37-related conditions. ClinVar contains an entry for this variant (Variation ID: 2069771). Invitae Evidence Modeling of protein sequence and biophysical properties (such as structural, functional, and spatial information, amino acid conservation, physicochemical variation, residue mobility, and thermodynamic stability) indicates that this missense variant is not expected to disrupt TRIM37 protein function with a negative predictive value of 80%. In summary, the available evidence is currently insufficient to determine the role of this variant in disease. Therefore, it has been classified as a Variant of Uncertain Significance.